The following is an entry in ClinVar:

NM_001034853.2(RPGR):c.1245+3A>T

Gene: RPGR (retinitis pigmentosa GTPase regulator; minus strand). Cytogenetic location: Xp11.4.
Variant type: single nucleotide variant.
Coding change: c.1245+3A>T on transcript NM_001034853.2 (MANE Select); 3 bases into the intron after coding-DNA position 1245, A replaced by T.
Molecular consequence: intron variant.
Genome position (GRCh38, 1-based): chrX:38,298,953, T>A on the plus strand (A>T on the coding strand, the complement: RPGR is on the minus strand). VCF-style: chrX-38298953-T-A. GRCh37 (hg19) VCF-style: chrX-38158206-T-A.
Other names: NM_001034853.2:c.1245+3A>T; c.1242+3A>T (NM_001367249.1, NM_001367250.1, NM_001367245.1); c.1060-1501A>T (NM_001367251.1, NM_001367246.1); c.1245+3A>T (NM_001367247.1, NM_000328.3); c.1275+3A>T (NM_001367248.1).
Identifiers: ClinVar variation 4072386 (VCV004072386.1).
Genomic context (GRCh38, chrX:38,298,953, plus strand): 5'-TTTCTTCTAGTTTTCTTTGCAGTGCTAGATAATACTATTATACAGAATAGGCCACAATTG[T>A]ACCCTCTCTCTTCGCCGCATACGTGCTGATAGAGTCCTCTGCAGTACATTTCCTGAGGTT-3'

ClinVar aggregate classification (germline): Pathogenic (3 of 4 stars; one submission).

Conditions:
RPGR-related retinopathy. Also called: RPGR retinopathy. Identifiers: MedGen CN305589, MONDO:0100437.

Submission:

ClinGen X-linked Inherited Retinal Disease Variant Curation Expert Panel, ClinGen
Classification: Pathogenic for RPGR-related retinopathy. Last evaluated: 2025-08-01. Review status: reviewed by expert panel. Criteria: ClinGen X LinkedIRD ACMG Specifications RPGR V1.0.0. Collection method: curation. Allele origin: germline. Inheritance: X-linked inheritance.
Comment: NM_001034853.2(RPGR):c.1245+3A>T is an intron 10 variant located 3 nucleotides from exon 3. The splicing impact predictor SpliceAI gives a score of 0.83 for donor loss, which is above the ClinGen X-linked IRD VCEP recommended threshold of ≥0.2 and predicts a damaging impact on splicing, while mRNA studies from patient-derived primary fibroblasts indicate that the variant causes exon 10 skipping (PMID: 21326217). The PP3 and PS3_Supporting codes were not met as PVS1 has been applied instead (PVS1_RNA). Another variant at the same position within the splice region, NM_001034853.2(RPGR):c.1245+3A>G, has previously been classified pathogenic by the X-linked IRD VCEP (PS1_Supporting). This variant is absent from gnomAD v4.1.0 (PM2_Supporting). At least one proband harboring this variant exhibits a phenotype including a family history consistent with X-linked inheritance (2 pts), first or second-decade onset (1 pt), rod involvement being relatively greater than cone involvement (1 pt), night blindness (0.5 pts), pigmentary retinopathy (0.5 pts), and visual field constriction (0.5 pts), which together are specific for RPGR-related retinopathy (5.5 points, PMID: 21326217, PP4). In summary, this variant is classified as pathogenic for RPGR-related retinopathy based on the ClinGen X-linked Inherited Retinal Disease Expert Panel Specifications to the ACMG/AMP Variant Interpretation Guidelines for RPGR Version 1.0.0; PVS1, PS1_Supporting, PM2_Supporting, and PP4. (date of approval 05/16/2025).